The following is an entry in ClinVar:

NM_005202.4(COL8A2):c.551C>A (p.Pro184Gln)

Gene: COL8A2 (collagen type VIII alpha 2 chain; minus strand). Cytogenetic location: 1p34.3.
Variant type: single nucleotide variant.
Coding change: c.551C>A on transcript NM_005202.4 (MANE Select); coding-DNA position 551, C replaced by A.
Protein change: p.Pro184Gln; replaces proline 184 with glutamine.
Molecular consequence: missense variant.
Genome position (GRCh38, 1-based): chr1:36,099,130, G>T on the plus strand (C>A on the coding strand, the complement: COL8A2 is on the minus strand). VCF-style: chr1-36099130-G-T. GRCh37 (hg19) VCF-style: chr1-36564731-G-T.
Other names: c.356C>A, p.Pro119Gln (NM_001294347.2); short protein forms P184Q, P119Q.
Identifiers: ClinVar variation 4692137 (VCV004692137.1).

ClinVar aggregate classification (germline): Uncertain significance (1 of 4 stars; one submission).

gnomAD v4.1: 4 of 1,505,982 alleles (0.00027%); highest among the groups gnomAD compares: Non-Finnish European, 0.00035%; no homozygotes.

Submission:

Labcorp Genetics (formerly Invitae), Labcorp
Classification: Uncertain significance. Last evaluated: 2025-06-12. Review status: criteria provided, single submitter. Criteria: Invitae Variant Classification Sherloc (09022015). Collection method: clinical testing. Allele origin: germline.
Comment: This sequence change replaces proline, which is neutral and non-polar, with glutamine, which is neutral and polar, at codon 184 of the COL8A2 protein (p.Pro184Gln). The frequency data for this variant in the population databases is considered unreliable, as metrics indicate poor data quality at this position in the gnomAD database. This variant has not been reported in the literature in individuals affected with COL8A2-related conditions. An algorithm developed to predict the effect of missense changes on protein structure and function outputs the following: PolyPhen-2: "Not Available". The glutamine amino acid residue is found in multiple mammalian species, which suggests that this missense change does not adversely affect protein function. In summary, the available evidence is currently insufficient to determine the role of this variant in disease. Therefore, it has been classified as a Variant of Uncertain Significance.